The following is an entry in ClinVar:

ClinVar aggregate classification (germline): Uncertain significance (1 of 4 stars; one submission).

Submission:

Labcorp Genetics (formerly Invitae), Labcorp
Classification: Uncertain significance. Last evaluated: 2021-04-23. Review status: criteria provided, single submitter. Criteria: Invitae Variant Classification Sherloc (09022015). Collection method: clinical testing. Allele origin: germline.
Comment: In summary, the available evidence is currently insufficient to determine the role of this variant in disease. Therefore, it has been classified as a Variant of Uncertain Significance. Algorithms developed to predict the effect of missense changes on protein structure and function are either unavailable or do not agree on the potential impact of this missense change (SIFT: "Deleterious"; PolyPhen-2: "Probably Damaging"; Align-GVGD: "Class C0"). This variant has not been reported in the literature in individuals with ADGRV1-related conditions. This variant is not present in population databases (ExAC no frequency). This sequence change replaces proline with serine at codon 2186 of the ADGRV1 protein (p.Pro2186Ser). The proline residue is highly conserved and there is a moderate physicochemical difference between proline and serine.

NM_032119.4(ADGRV1):c.6556C>T (p.Pro2186Ser)

Gene: ADGRV1 (adhesion G protein-coupled receptor V1; plus strand). Cytogenetic location: 5q14.3.
Variant type: single nucleotide variant.
Coding change: c.6556C>T on transcript NM_032119.4 (MANE Select); coding-DNA position 6556, C replaced by T.
Protein change: p.Pro2186Ser; replaces proline 2186 with serine.
Molecular consequence: missense variant. On other transcripts: non-coding transcript variant (1).
Genome position (GRCh38, 1-based): chr5:90,689,926, C>T. VCF-style: chr5-90689926-C-T. GRCh37 (hg19) VCF-style: chr5-89985743-C-T.
Other names: short protein forms P2186S.
Identifiers: ClinVar variation 1362942 (VCV001362942.8), dbSNP rs1357549892, ClinGen allele CA360366135.
Genomic context (GRCh38, chr5:90,689,926, plus strand): 5'-GATTATAGTATAGCTTCATCAGATGTGGTCTTGCTAGAAGGGGAAACCAGTAAAGCCGTG[C>T]CAATATATGTCATTAATGATATCTATCCTGAACTGGAAGAATCTTTTCTTGTGCAACTGA-3'
Protein context (NP_115495.3, residues 2176-2196): LLEGETSKAV[Pro2186Ser]IYVINDIYPE